The following is an entry in ClinVar:

ClinVar aggregate classification (germline): Uncertain significance (1 of 4 stars; one submission).

gnomAD v4.1: 13 of 1,547,136 alleles (0.00084%); highest among the groups gnomAD compares: Non-Finnish European, 0.001%; no homozygotes.

Submission:

GeneDx
Classification: Uncertain significance. Last evaluated: 2022-12-30. Review status: criteria provided, single submitter. Criteria: GeneDx Variant Classification Process June 2021. Collection method: clinical testing. Allele origin: germline. Affected: yes.
Comment: Not observed at significant frequency in large population cohorts (gnomAD); In silico analysis supports that this missense variant has a deleterious effect on protein structure/function; Has not been previously published as pathogenic or benign to our knowledge

NM_001145026.2(PTPRQ):c.5335A>G (p.Ser1779Gly)

Gene: PTPRQ (protein tyrosine phosphatase receptor type Q; plus strand). Cytogenetic location: 12q21.31.
Variant type: single nucleotide variant.
Coding change: c.5335A>G on transcript NM_001145026.2 (MANE Select); coding-DNA position 5335, A replaced by G.
Protein change: p.Ser1779Gly; replaces serine 1779 with glycine.
Molecular consequence: missense variant.
Genome position (GRCh38, 1-based): chr12:80,619,488, A>G. VCF-style: chr12-80619488-A-G. GRCh37 (hg19) VCF-style: chr12-81013267-A-G.
Other names: short protein forms S1779G.
Identifiers: ClinVar variation 2507333 (VCV002507333.1), dbSNP rs1350920434, ClinGen allele CA385940566.
Genomic context (GRCh38, chr12:80,619,488, plus strand): 5'-ACAGGAAAACTGCTTGTGACTTCAACAACAATTACAATCAGAATGCCAATATGTTACTAC[A>G]GTGATGATCATGGACCAATAAAAAATGTACAAGTGCTTGTGACAGAAACAGGAGGTATCA-3'
Protein context (NP_001138498.1, residues 1769-1789): ITIRMPICYY[Ser1779Gly]DDHGPIKNVQ